The following is an entry in ClinVar:

ClinVar aggregate classification (germline): Uncertain significance. Review status: criteria provided, single submitter (1 of 4 stars). 2 submissions from 2 submitters: Uncertain significance (1). 1 of the submissions does not count toward it. Last evaluated 2023-07-31.

Conditions:
TAF15-related disorder. Also called: TAF15-related condition.

Submissions (2):

GeneDx
Classification: Uncertain significance. Last evaluated: 2023-07-31. Review status: criteria provided, single submitter. Criteria: GeneDx Variant Classification Process June 2021. Collection method: clinical testing. Allele origin: germline. Affected: yes.
Comment: In-frame deletion of 15 amino acids in a non-repeat region; Not observed at significant frequency in large population cohorts (gnomAD); In silico analysis supports a deleterious effect on protein structure/function; Has not been previously published as pathogenic or benign to our knowledge

PreventionGenetics, part of Exact Sciences
Classification: Likely benign for TAF15-related condition. Last evaluated: 2022-06-03. Review status: no assertion criteria provided. Collection method: clinical testing. Allele origin: germline. Not counted in ClinVar's aggregate classification.
Comment: This variant is classified as likely benign based on ACMG/AMP sequence variant interpretation guidelines (Richards et al. 2015 PMID: 25741868, with internal and published modifications).

NM_139215.3(TAF15):c.1428_1472del (p.478GYGGDRGGYGGDRGG[1])

Gene: TAF15 (TATA-box binding protein associated factor 15; plus strand). Cytogenetic location: 17q12.
Variant type: Deletion.
Coding change: c.1428_1472del on transcript NM_139215.3 (MANE Select); coding-DNA positions 1428 to 1472, 45 bases deleted.
Protein change: p.478GYGGDRGGYGGDRGG[1].
Genome position (GRCh38, 1-based): chr17:35,844,727-35,844,771, 45 bases deleted; deleting any 45 consecutive bases within chr17:35,844,707-35,844,771 gives the same sequence; the c. name uses the placement nearest the transcript's 3' end. GRCh37 (hg19): chr17:34,171,731-34,171,775.
Other names: c.1419_1463del, p.475GYGGDRGGYGGDRGG[1] (NM_003487.4); c.1428_1472del45 (NM_139215.2); c.1428_1472del (NM_139215.2).
Identifiers: ClinVar variation 3054318 (VCV003054318.3), dbSNP rs750957958, ClinGen allele CA290041432.